The following is an entry in ClinVar:

NM_000218.3(KCNQ1):c.293G>A (p.Arg98His)

Gene: KCNQ1 (potassium voltage-gated channel subfamily Q member 1; plus strand). Cytogenetic location: 11p15.5.
Variant type: single nucleotide variant.
Coding change: c.293G>A on transcript NM_000218.3 (MANE Select); coding-DNA position 293, G replaced by A.
Protein change: p.Arg98His; replaces arginine 98 with histidine.
Molecular consequence: missense variant.
Genome position (GRCh38, 1-based): chr11:2,445,391, G>A. VCF-style: chr11-2445391-G-A. GRCh37 (hg19) VCF-style: chr11-2466621-G-A.
Other names: c.293G>A, p.Arg98His (NM_001406836.1, NM_001406838.1); c.-70G>A (NM_001406837.1); short protein forms R98H.
Identifiers: ClinVar variation 1810577 (VCV001810577.5), dbSNP rs749258352, ClinGen allele CA034910.

ClinVar aggregate classification (germline): Uncertain significance. Review status: criteria provided, multiple submitters, no conflicts (2 of 4 stars). 3 submissions from 3 submitters: Uncertain significance (3). Last evaluated 2025-06-24.

Conditions:
Cardiovascular phenotype. Identifiers: MedGen CN230736.

Allele frequency attached by ClinVar (database versions not stated): gnomAD exomes below 0.00001; ExAC 0.00001.
gnomAD v4.1: 1 of 1,597,798 alleles (0.000063%); highest among the groups gnomAD compares: Non-Finnish European, 0.000085%; no homozygotes.

Submissions (3):

Ambry Genetics
Classification: Uncertain significance for Cardiovascular phenotype. Last evaluated: 2025-06-24. Review status: criteria provided, single submitter. Criteria: Ambry Variant Classification Scheme 2023. Collection method: clinical testing. Allele origin: germline.
Comment: The p.R98H variant (also known as c.293G>A), located in coding exon 1 of the KCNQ1 gene, results from a G to A substitution at nucleotide position 293. The arginine at codon 98 is replaced by histidine, an amino acid with highly similar properties. This amino acid position is well conserved in available vertebrate species. In addition, the in silico prediction for this alteration is inconclusive. Based on the available evidence, the clinical significance of this variant remains unclear.

Blueprint Genetics
Classification: Uncertain significance. Last evaluated: 2023-10-05. Review status: criteria provided, single submitter. Criteria: ACMG Guidelines, 2015. Collection method: clinical testing. Allele origin: germline.

GeneDx
Classification: Uncertain significance. Last evaluated: 2022-12-27. Review status: criteria provided, single submitter. Criteria: GeneDx Variant Classification Process June 2021. Collection method: clinical testing. Allele origin: germline. Affected: yes.
Comment: Not observed at significant frequency in large population cohorts (gnomAD); In silico analysis supports that this missense variant does not alter protein structure/function; Has not been previously published as pathogenic or benign to our knowledge